The following is an entry in ClinVar:

NM_000051.4(ATM):c.8182dup (p.Met2728fs)

Genes: ATM (ATM serine/threonine kinase; plus strand), C11orf65 (chromosome 11 open reading frame 65; minus strand). Cytogenetic location: 11q22.3.
Variant type: Duplication.
Coding change: c.8182dup on transcript NM_000051.4 (MANE Select); coding-DNA position 8182, one base duplicated (A; older notation c.8182dupA).
Protein change: p.Met2728fs; shifts the reading frame from methionine 2728.
Molecular consequence: frameshift variant. On other transcripts: intron variant (2).
Genome position (GRCh38, 1-based): chr11:108,335,875, A duplicated. VCF-style (leftmost placement, unchanged base first): chr11-108335874-C-CA. GRCh37 (hg19) VCF-style: chr11-108206601-C-CA.
Other names: c.8182dup, p.Met2728fs (NM_001351834.2); c.641-26804dup (NM_001330368.2); c.695-583dup (NM_001351110.2); short protein forms M2728fs.
Identifiers: ClinVar variation 1070471 (VCV001070471.9), dbSNP rs2136693800, ClinGen allele CA2499220722.

ClinVar aggregate classification (germline): Pathogenic. Review status: criteria provided, multiple submitters, no conflicts (2 of 4 stars). 2 submissions from 2 submitters: Pathogenic (2). Last evaluated 2023-07-07.

Conditions:
Ataxia-telangiectasia syndrome (AT). Also called: Ataxia telangiectasia (A-T); ATAXIA-TELANGIECTASIA, COMPLEMENTATION GROUP A; ATAXIA-TELANGIECTASIA, FRESNO VARIANT; Ataxia-telangiectasia; Ataxia-telangiectasia, complementation group E; LOUIS-BAR SYNDROME. Identifiers: Orphanet 100, MedGen C0004135, MONDO:0008840, OMIM 208900.
Familial cancer of breast. Also called: Hereditary breast cancer; hereditary breast carcinoma; BREAST CANCER, FAMILIAL. Identifiers: Orphanet 227535, MedGen C0346153, MONDO:0016419, OMIM 114480. Disease mechanism: loss of function.

Submissions (2):

Myriad Genetics, Inc.
Classification: Pathogenic for Familial cancer of breast. Last evaluated: 2023-07-07. Review status: criteria provided, single submitter. Criteria: Myriad Autosomal Dominant, Autosomal Recessive and X-Linked Classification Criteria (2023). Collection method: clinical testing. Allele origin: unknown.
Comment: This variant is considered pathogenic. This variant creates a frameshift predicted to result in premature protein truncation.

Labcorp Genetics (formerly Invitae), Labcorp
Classification: Pathogenic for Ataxia-telangiectasia syndrome. Last evaluated: 2022-04-29. Review status: criteria provided, single submitter. Criteria: Invitae Variant Classification Sherloc (09022015). Collection method: clinical testing. Allele origin: germline.
Comment: For these reasons, this variant has been classified as Pathogenic. This variant is not present in population databases (gnomAD no frequency). This sequence change creates a premature translational stop signal (p.Met2728Asnfs*9) in the ATM gene. It is expected to result in an absent or disrupted protein product. Loss-of-function variants in ATM are known to be pathogenic (PMID: 23807571, 25614872). ClinVar contains an entry for this variant (Variation ID: 1070471). This variant has not been reported in the literature in individuals affected with ATM-related conditions.

Literature cited by the submitters: PubMed 23807571 (cited by Labcorp Genetics (formerly Invitae), Labcorp); PubMed 25614872 (cited by Labcorp Genetics (formerly Invitae), Labcorp).